The following is an entry in ClinVar:

ClinVar aggregate classification (germline): Conflicting classifications of pathogenicity. Review status: criteria provided, conflicting classifications (1 of 4 stars). 3 submissions from 3 submitters: Likely pathogenic (1); Uncertain significance (2). Last evaluated 2026-05-22.

Conditions:
Autosomal recessive limb-girdle muscular dystrophy type 2A (LGMDR1). Also called: LEYDEN-MOEBIUS MUSCULAR DYSTROPHY; MUSCULAR DYSTROPHY, PELVOFEMORAL; Limb-girdle muscular dystrophy, type 2A; Calpainopathy; Muscular dystrophy, limb-girdle, type 2A, Amish. Identifiers: Orphanet 267, MedGen C1869123, MONDO:0009675, OMIM 253600. Disease mechanism: loss of function.

Submissions (3):

Women's Health and Genetics/Laboratory Corporation of America, LabCorp
Classification: Uncertain significance. Last evaluated: 2026-05-22. Review status: criteria provided, single submitter. Criteria: LabCorp Variant Classification Summary - May 2015. Collection method: clinical testing. Allele origin: germline.
Comment: Variant summary: CAPN3 c.229G>A (p.Asp77Asn) results in a conservative amino acid change in the encoded protein sequence. Algorithms developed to predict the effect of missense changes on protein structure and function are either unavailable or do not agree on the potential impact of this missense change. The variant was absent in 249514 control chromosomes. c.229G>A has been observed in compound heterozygous individuals affected with Limb-Girdle Muscular Dystrophy, Autosomal Recessive (Richard_1999, Fanin_2004, Piluso_2005, Fanin_2009). These data indicate that the variant may be associated with disease. To our knowledge, no experimental evidence demonstrating an impact on protein function has been reported. The following publications have been ascertained in the context of this evaluation (PMID: 18854869, 15221789, 16141003, 10330340, 15689361). ClinVar contains an entry for this variant (Variation ID: 1449071). Based on the evidence outlined above, the variant was classified as VUS-possibly pathogenic.

Natera, Inc.
Classification: Likely pathogenic for Limb-girdle muscular dystrophy type 2A. Last evaluated: 2025-12-24. Review status: criteria provided, single submitter. Criteria: Natera Variant Classification Schema (03/2026). Collection method: clinical testing. Allele origin: germline.
Comment: The c.229G>A variant in CAPN3 is a missense variant predicted to cause substitution of aspartic acid to asparagine at amino acid 77. This variant is rare in the general population with a frequency below the threshold expected for the associated phenotype(s). This variant has been observed in one or more individuals affected with the associated recessive disease, as either homozygous or compound heterozygous with a second variant (PMID: 18854869, 10330340). This variant has been observed to segregate in affected family members (PMID: 18854869). A different variant at the same position has been determined to be Pathogenic or Likely Pathogenic. Computational prediction algorithms indicate this variant is likely to affect gene or protein function. Given the available evidence, this variant is classified as Likely Pathogenic.

Labcorp Genetics (formerly Invitae), Labcorp
Classification: Uncertain significance for Autosomal recessive limb-girdle muscular dystrophy type 2A. Last evaluated: 2024-10-18. Review status: criteria provided, single submitter. Criteria: Invitae Variant Classification Sherloc (09022015). Collection method: clinical testing. Allele origin: germline.
Comment: This sequence change replaces aspartic acid, which is acidic and polar, with asparagine, which is neutral and polar, at codon 77 of the CAPN3 protein (p.Asp77Asn). This variant is not present in population databases (gnomAD no frequency). This missense change has been observed in individual(s) with autosomal recessive CAPN3-related conditions (PMID: 15221789, 18854869). This variant has been reported in individual(s) with autosomal dominant CAPN3-related conditions (PMID: 10330340, 15221789); however, the role of the variant in this condition is currently unclear. ClinVar contains an entry for this variant (Variation ID: 1449071). Invitae Evidence Modeling of protein sequence and biophysical properties (such as structural, functional, and spatial information, amino acid conservation, physicochemical variation, residue mobility, and thermodynamic stability) indicates that this missense variant is expected to disrupt CAPN3 protein function with a positive predictive value of 80%. In summary, the available evidence is currently insufficient to determine the role of this variant in disease. Therefore, it has been classified as a Variant of Uncertain Significance.

Literature cited by the submitters: PubMed 18854869 (cited by 3 submitters); PubMed 16141003 (cited by Women's Health and Genetics/Laboratory Corporation of America, LabCorp); PubMed 15221789 (cited by Women's Health and Genetics/Laboratory Corporation of America, LabCorp and Labcorp Genetics (formerly Invitae), Labcorp); PubMed 10330340 (cited by 3 submitters); PubMed 15689361 (cited by Women's Health and Genetics/Laboratory Corporation of America, LabCorp).

NM_000070.3(CAPN3):c.229G>A (p.Asp77Asn)

Gene: CAPN3 (calpain 3; plus strand). Cytogenetic location: 15q15.1.
Variant type: single nucleotide variant.
Coding change: c.229G>A on transcript NM_000070.3 (MANE Select); coding-DNA position 229, G replaced by A.
Protein change: p.Asp77Asn; replaces aspartic acid 77 with asparagine.
Molecular consequence: missense variant.
Genome position (GRCh38, 1-based): chr15:42,360,034, G>A. VCF-style: chr15-42360034-G-A. GRCh37 (hg19) VCF-style: chr15-42652232-G-A.
Other names: c.229G>A, p.Asp77Asn (NM_024344.2, NM_173087.2); c.229G>A (NM_000070.2); short protein forms D77N.
Identifiers: ClinVar variation 1449071 (VCV001449071.10), dbSNP rs2141102703, ClinGen allele CA391994941.